The following is an entry in ClinVar:

NM_000038.6(APC):c.5106A>C (p.Gly1702=)

Gene: APC (APC regulator of Wnt signaling pathway; plus strand). Cytogenetic location: 5q22.2.
Variant type: single nucleotide variant.
Coding change: c.5106A>C on transcript NM_000038.6 (MANE Select); coding-DNA position 5106, A replaced by C.
Protein change: p.Gly1702=; no amino-acid change (glycine 1702 retained).
Molecular consequence: synonymous variant. On other transcripts: non-coding transcript variant (2).
Genome position (GRCh38, 1-based): chr5:112,840,700, A>C. VCF-style: chr5-112840700-A-C. GRCh37 (hg19) VCF-style: chr5-112176397-A-C.
Other names: c.5106A>C (NM_000038.5); c.5106A>C, p.Gly1702= (NM_001127510.3, NM_001354895.2, NM_001407450.1); c.5052A>C, p.Gly1684= (NM_001127511.3); c.5160A>C, p.Gly1720= (NM_001354896.2, NM_001407447.1, NM_001407448.1 and 1 more transcripts); c.5136A>C, p.Gly1712= (NM_001354897.2); c.5031A>C, p.Gly1677= (NM_001354898.2); c.5022A>C, p.Gly1674= (NM_001354899.2); c.4983A>C, p.Gly1661= (NM_001354900.2); and 12 more.
Identifiers: ClinVar variation 3148071 (VCV003148071.4), dbSNP rs2533621358, ClinGen allele CA446209579.
Genomic context (GRCh38, chr5:112,840,700, plus strand): 5'-TGAATTTGAAAAACGAGATACCATTCCTACAGAAGGCAGAAGTACAGATGAGGCTCAAGG[A>C]GGAAAAACCTCATCTGTAACCATACCTGAATTGGATGACAATAAAGCAGAGGAAGGTGAT-3'
Protein context (NP_000029.2, residues 1692-1712): TEGRSTDEAQ[Gly1702=]GKTSSVTIPE

ClinVar aggregate classification (germline): Benign/Likely benign. Review status: criteria provided, multiple submitters, no conflicts (2 of 4 stars). 3 submissions from 3 submitters: Benign (1); Likely benign (2). Last evaluated 2025-10-29.

Conditions:
Familial adenomatous polyposis 1 (FAP1). Also called: POLYPOSIS, ADENOMATOUS INTESTINAL; FAMILIAL ADENOMATOUS POLYPOSIS 1, ATTENUATED. Identifiers: MedGen C2713442, MONDO:0021056, OMIM 175100. Disease mechanism: loss of function.
Hereditary cancer-predisposing syndrome. Also called: Neoplastic Syndromes, Hereditary; Tumor predisposition; Hereditary neoplastic syndrome; Hereditary Cancer Syndrome. Identifiers: Orphanet 140162, MedGen C0027672, MeSH D009386, MONDO:0015356.

Submissions (3):

Ambry Genetics
Classification: Likely benign for Hereditary cancer-predisposing syndrome. Last evaluated: 2025-10-29. Review status: criteria provided, single submitter. Criteria: Ambry Variant Classification Scheme 2023. Collection method: clinical testing. Allele origin: germline.

Labcorp Genetics (formerly Invitae), Labcorp
Classification: Likely benign for Familial adenomatous polyposis 1. Last evaluated: 2025-07-13. Review status: criteria provided, single submitter. Criteria: Invitae Variant Classification Sherloc (09022015). Collection method: clinical testing. Allele origin: germline.

Myriad Genetics, Inc.
Classification: Benign for Familial adenomatous polyposis 1. Last evaluated: 2024-03-28. Review status: criteria provided, single submitter. Criteria: Myriad Autosomal Dominant, Autosomal Recessive and X-Linked Classification Criteria (2023). Collection method: clinical testing. Allele origin: unknown.
Comment: This variant is considered benign. This variant is a silent/synonymous amino acid change and it is not expected to impact splicing.